The following is an entry in ClinVar:

ClinVar aggregate classification (germline): Uncertain significance (1 of 4 stars; one submission).

Allele frequency attached by ClinVar (database versions not stated): ExAC 0.00001; gnomAD 0.00001; gnomAD exomes 0.00001; TOPMed 0.00002.
gnomAD v4.1: 7 of 1,610,886 alleles (0.00043%); highest among the groups gnomAD compares: Admixed American, 0.012%; no homozygotes.

Submission:

Labcorp Genetics (formerly Invitae), Labcorp
Classification: Uncertain significance. Last evaluated: 2022-05-12. Review status: criteria provided, single submitter. Criteria: Invitae Variant Classification Sherloc (09022015). Collection method: clinical testing. Allele origin: germline.
Comment: This sequence change replaces histidine, which is basic and polar, with proline, which is neutral and non-polar, at codon 597 of the PLK4 protein (p.His597Pro). This variant is present in population databases (rs777266407, gnomAD 0.02%). This variant has not been reported in the literature in individuals affected with PLK4-related conditions. Algorithms developed to predict the effect of missense changes on protein structure and function (SIFT, PolyPhen-2, Align-GVGD) all suggest that this variant is likely to be tolerated. In summary, the available evidence is currently insufficient to determine the role of this variant in disease. Therefore, it has been classified as a Variant of Uncertain Significance.

NM_014264.5(PLK4):c.1790A>C (p.His597Pro)

Gene: PLK4 (polo like kinase 4; plus strand). Cytogenetic location: 4q28.1.
Variant type: single nucleotide variant.
Coding change: c.1790A>C on transcript NM_014264.5 (MANE Select); coding-DNA position 1790, A replaced by C.
Protein change: p.His597Pro; replaces histidine 597 with proline.
Molecular consequence: missense variant.
Genome position (GRCh38, 1-based): chr4:127,890,196, A>C. VCF-style: chr4-127890196-A-C. GRCh37 (hg19) VCF-style: chr4-128811351-A-C.
Other names: c.1694A>C, p.His565Pro (NM_001190799.2); c.1667A>C, p.His556Pro (NM_001190801.2); short protein forms H556P, H565P, H597P.
Identifiers: ClinVar variation 1927721 (VCV001927721.2), dbSNP rs777266407, ClinGen allele CA3076843.